The following is an entry in ClinVar:

ClinVar aggregate classification (germline): Uncertain significance (1 of 4 stars; one submission).

gnomAD v4.1: 1 of 1,612,834 alleles (0.000062%); no homozygotes.

Submission:

Labcorp Genetics (formerly Invitae), Labcorp
Classification: Uncertain significance. Last evaluated: 2024-08-04. Review status: criteria provided, single submitter. Criteria: Invitae Variant Classification Sherloc (09022015). Collection method: clinical testing. Allele origin: germline.
Comment: This sequence change falls in intron 9 of the PDE6B gene. It does not directly change the encoded amino acid sequence of the PDE6B protein. It affects a nucleotide within the consensus splice site. This variant is present in population databases (no rsID available, gnomAD no frequency). This variant has not been reported in the literature in individuals affected with PDE6B-related conditions. Variants that disrupt the consensus splice site are a relatively common cause of aberrant splicing (PMID: 17576681, 9536098). Algorithms developed to predict the effect of sequence changes on RNA splicing suggest that this variant is not likely to affect RNA splicing. In summary, the available evidence is currently insufficient to determine the role of this variant in disease. Therefore, it has been classified as a Variant of Uncertain Significance.

Literature cited by the submitters: PubMed 17576681; PubMed 9536098.

NM_000283.4(PDE6B):c.1257+5G>A

Gene: PDE6B (phosphodiesterase 6B; plus strand). Cytogenetic location: 4p16.3.
Variant type: single nucleotide variant.
Coding change: c.1257+5G>A on transcript NM_000283.4 (MANE Select); 5 bases into the intron after coding-DNA position 1257, G replaced by A.
Molecular consequence: intron variant.
Genome position (GRCh38, 1-based): chr4:657,028, G>A. VCF-style: chr4-657028-G-A. GRCh37 (hg19) VCF-style: chr4-650817-G-A.
Other names: c.1257+5G>A (NM_001145291.2); c.420+5G>A (NM_001379246.1, NM_001379247.1, NM_001145292.2 and 1 more transcripts); c.102+5G>A (NM_001350155.3).
Identifiers: ClinVar variation 3686887 (VCV003686887.2).
Genomic context (GRCh38, chr4:657,028, plus strand): 5'-TTTACAACAGGAAAGACGGGAAGCCCTTTGACGAACAGGACGAGGTTCTCATGGAGGTAA[G>A]CACCTGGGCAGACGTGGTTCCGCCGGGGATGCCCTGCGAGGGGTGGGGCCTGTGCGGTGT-3'